The following is an entry in ClinVar:

ClinVar aggregate classification (germline): Uncertain significance (1 of 4 stars; one submission).

Submission:

GeneDx
Classification: Uncertain significance. Last evaluated: 2023-11-28. Review status: criteria provided, single submitter. Criteria: GeneDx Variant Classification Process June 2021. Collection method: clinical testing. Allele origin: germline. Affected: yes.
Comment: Not observed at significant frequency in large population cohorts (gnomAD); In silico analysis supports that this variant does not alter splicing; Has not been previously published as pathogenic or benign to our knowledge

NM_144991.3(TSPEAR):c.936G>A (p.Leu312=)

Gene: TSPEAR (thrombospondin type laminin G domain and EAR repeats; minus strand). Cytogenetic location: 21q22.3.
Variant type: single nucleotide variant.
Coding change: c.936G>A on transcript NM_144991.3 (MANE Select); coding-DNA position 936, G replaced by A.
Protein change: p.Leu312=; no amino-acid change (leucine 312 retained).
Molecular consequence: synonymous variant.
Genome position (GRCh38, 1-based): chr21:44,527,505, C>T on the plus strand (G>A on the coding strand, the complement: TSPEAR is on the minus strand). VCF-style: chr21-44527505-C-T. GRCh37 (hg19) VCF-style: chr21-45947388-C-T.
Other names: c.732G>A, p.Leu244= (NM_001272037.2).
Identifiers: ClinVar variation 3364603 (VCV003364603.1).